The following is an entry in ClinVar:

ClinVar aggregate classification (germline): Uncertain significance (1 of 4 stars; one submission).

Allele frequency attached by ClinVar (database versions not stated): gnomAD exomes below 0.00001; gnomAD 0.00001; TOPMed 0.00001.
gnomAD v4.1: 4 of 1,614,000 alleles (0.00025%); highest among the groups gnomAD compares: Admixed American, 0.0017%; no homozygotes.

Submission:

Laboratory for Molecular Medicine, Mass General Brigham Personalized Medicine
Classification: Uncertain significance. Last evaluated: 2013-10-17. Review status: criteria provided, single submitter. Criteria: LMM Criteria. Collection method: clinical testing. Allele origin: germline. Observed: 1 variant allele.
Comment: The Ile4211Met variant in USH2A has not been reported in individuals with hearin g loss or in large population studies. Computational analyses (biochemical amino acid properties, conservation, AlignGVGD, PolyPhen2, and SIFT) suggest that the Ile4211Met variant may not impact the protein, though this information is not p redictive enough to rule out pathogenicity. In summary, additional data is neede d to determine the clinical significance of this variant.

NM_206933.4(USH2A):c.12633T>G (p.Ile4211Met)

Gene: USH2A (usherin; minus strand). Cytogenetic location: 1q41.
Variant type: single nucleotide variant.
Coding change: c.12633T>G on transcript NM_206933.4 (MANE Select); coding-DNA position 12633, T replaced by G.
Protein change: p.Ile4211Met; replaces isoleucine 4211 with methionine.
Molecular consequence: missense variant.
Genome position (GRCh38, 1-based): chr1:215,675,278, A>C on the plus strand (T>G on the coding strand, the complement: USH2A is on the minus strand). VCF-style: chr1-215675278-A-C. GRCh37 (hg19) VCF-style: chr1-215848620-A-C.
Other names: short protein forms I4211M.
Identifiers: ClinVar variation 166432 (VCV000166432.5), dbSNP rs727503716, ClinGen allele CA179507.
Genomic context (GRCh38, chr1:215,675,278, plus strand): 5'-TTGCAAACCTGTGTCATTATACATAAATGTATTCCTTTCAGTGTTATATTCTGTGAAAAC[A>C]ATTTTCTCGTCGGCCTGGATTGTCTGATTTCCCCAAGCTTTTCCCTCGAAGCATCTGCGA-3'
Protein context (NP_996816.3, residues 4201-4221): GNQTIQADEK[Ile4211Met]VFTEYNTERN